The following is an entry in ClinVar:

NM_006031.6(PCNT):c.6763A>G (p.Ser2255Gly)

Gene: PCNT (pericentrin; plus strand). Cytogenetic location: 21q22.3.
Variant type: single nucleotide variant.
Coding change: c.6763A>G on transcript NM_006031.6 (MANE Select); coding-DNA position 6763, A replaced by G.
Protein change: p.Ser2255Gly; replaces serine 2255 with glycine.
Molecular consequence: missense variant.
Genome position (GRCh38, 1-based): chr21:46,416,681, A>G. VCF-style: chr21-46416681-A-G. GRCh37 (hg19) VCF-style: chr21-47836595-A-G.
Other names: c.6409A>G, p.Ser2137Gly (NM_001315529.2); short protein forms S2137G, S2255G.
Identifiers: ClinVar variation 4993951 (VCV004993951.1).
Genomic context (GRCh38, chr21:46,416,681, plus strand): 5'-ACCCTGGAGCCCTGGCCCAGCCTCCCCGTGACACCCCACTCAGGAGCCCTGAGCCTGTGC[A>G]GTGCCGACACATCCCTGGGGGACAGGGCGGACACCTCGCTGCCACAGACCCAGGGGCCGG-3'
Protein context (NP_006022.3, residues 2245-2265): TPHSGALSLC[Ser2255Gly]ADTSLGDRAD

ClinVar aggregate classification (germline): Uncertain significance (1 of 4 stars; one submission).

Conditions:
PCNT-related disorder. Also called: PCNT-related condition.

gnomAD v4.1: 5 of 1,563,408 alleles (0.00032%); highest among the groups gnomAD compares: African/African-American, 0.0041%; no homozygotes.

Submission:

PreventionGenetics, part of Exact Sciences
Classification: Uncertain significance for PCNT-related condition. Last evaluated: 2026-05-28. Review status: criteria provided, single submitter. Criteria: ACMG Guidelines, 2015. Collection method: clinical testing. Allele origin: germline.
Comment: The PCNT c.6763A>G variant is predicted to result in the amino acid substitution p.Ser2255Gly. To our knowledge, this variant has not been reported in the literature. This variant is reported in 0.0042% of alleles in individuals of African descent in gnomAD. At this time, the clinical significance of this variant is uncertain due to the absence of conclusive functional and genetic evidence.